The following is an entry in ClinVar:

NM_018834.6(MATR3):c.793C>A (p.Leu265Ile)

Gene: MATR3 (matrin 3; plus strand). Cytogenetic location: 5q31.2.
Variant type: single nucleotide variant.
Coding change: c.793C>A on transcript NM_018834.6 (MANE Select); coding-DNA position 793, C replaced by A.
Protein change: p.Leu265Ile; replaces leucine 265 with isoleucine.
Molecular consequence: missense variant. On other transcripts: intron variant (2).
Genome position (GRCh38, 1-based): chr5:139,308,208, C>A. VCF-style: chr5-139308208-C-A. GRCh37 (hg19) VCF-style: chr5-138643897-C-A.
Other names: c.793C>A, p.Leu265Ile (NM_001194954.2, NM_001194955.2, NM_199189.3); c.-102-6467C>A (NM_001282278.2); c.49-6467C>A (NM_001194956.2); short protein forms L265I.
Identifiers: ClinVar variation 474084 (VCV000474084.1), dbSNP rs1554146560, ClinGen allele CA361488081.
Genomic context (GRCh38, chr5:139,308,208, plus strand): 5'-AAATTTGACAGTGAGTATGAGAGAATGGGACGTGGTCCTGGCCCCTTACAAGAGAGATCT[C>A]TCTTTGAGAAAAAGAGAGGCGCTCCTCCAAGTAGCAATATTGAAGACTTCCATGGACTCT-3'
Protein context (NP_061322.2, residues 255-275): RGPGPLQERS[Leu265Ile]FEKKRGAPPS

ClinVar aggregate classification (germline): Uncertain significance (1 of 4 stars; one submission).

Conditions:
Amyotrophic lateral sclerosis type 21. Also called: VOCAL CORD AND PHARYNGEAL DYSFUNCTION WITH DISTAL MYOPATHY; MYOPATHY, DISTAL, 2. Identifiers: Orphanet 600, Orphanet 803, MedGen C3807521, MONDO:0011632, OMIM 606070.

Submission:

Labcorp Genetics (formerly Invitae), Labcorp
Classification: Uncertain significance for Amyotrophic lateral sclerosis type 21. Last evaluated: 2017-03-09. Review status: criteria provided, single submitter. Criteria: Invitae Variant Classification Sherloc (09022015). Collection method: clinical testing. Allele origin: germline.
Comment: This sequence change replaces leucine with isoleucine at codon 265 of the MATR3 protein (p.Leu265Ile). The leucine residue is highly conserved and there is a small physicochemical difference between leucine and isoleucine. This variant is not present in population databases (ExAC no frequency) and has not been reported in the literature in individuals with a MATR3-related disease. Algorithms developed to predict the effect of missense changes on protein structure and function do not agree on the potential impact of this missense change (SIFT: "Tolerated"; PolyPhen-2: "Probably Damaging"; Align-GVGD: "Class C0"). In summary, this variant is a novel missense change with uncertain impact on protein function. It has been classified as a Variant of Uncertain Significance.